The following is an entry in ClinVar:

NM_004667.6(HERC2):c.952G>T (p.Asp318Tyr)

Gene: HERC2 (HECT and RLD domain containing E3 ubiquitin protein ligase 2; minus strand). Cytogenetic location: 15q13.1.
Variant type: single nucleotide variant.
Coding change: c.952G>T on transcript NM_004667.6 (MANE Select); coding-DNA position 952, G replaced by T.
Protein change: p.Asp318Tyr; replaces aspartic acid 318 with tyrosine.
Molecular consequence: missense variant.
Genome position (GRCh38, 1-based): chr15:28,272,346, C>A on the plus strand (G>T on the coding strand, the complement: HERC2 is on the minus strand). VCF-style: chr15-28272346-C-A. GRCh37 (hg19) VCF-style: chr15-28517492-C-A.
Other names: short protein forms D318Y.
Identifiers: ClinVar variation 3055852 (VCV003055852.2), dbSNP rs77399744, ClinGen allele CA267947444.
Genomic context (GRCh38, chr15:28,272,346, plus strand): 5'-AAAGTGGGGCGCTGGTGCCCTGGGCGGAACGCTCATTGTCAGTCTCCTGTGCCCCGCTGT[C>A]CCACAGCTGAAGCAACAACAGGATGGCAGACAACATTTGGCTAAAGGAGAAAAGATATTT-3'
Protein context (NP_004658.3, residues 308-328): SAILLLLQLW[Asp318Tyr]SGAQETDNER

ClinVar aggregate classification (germline): Benign (0 of 4 stars; one submission).

Conditions:
HERC2-related disorder. Also called: HERC2-related condition.

Allele frequency attached by ClinVar (database versions not stated): ExAC 0.04077.

Submission:

PreventionGenetics, part of Exact Sciences
Classification: Benign for HERC2-related condition. Last evaluated: 2020-03-16. Review status: no assertion criteria provided. Collection method: clinical testing. Allele origin: germline.
Comment: This variant is classified as benign based on ACMG/AMP sequence variant interpretation guidelines (Richards et al. 2015 PMID: 25741868, with internal and published modifications).